The following is an entry in ClinVar:

NM_000264.5(PTCH1):c.1589G>C (p.Arg530Thr)

Gene: PTCH1 (patched 1; minus strand). Cytogenetic location: 9q22.32.
Variant type: single nucleotide variant.
Coding change: c.1589G>C on transcript NM_000264.5 (MANE Select); coding-DNA position 1589, G replaced by C.
Protein change: p.Arg530Thr; replaces arginine 530 with threonine.
Molecular consequence: missense variant. On other transcripts: non-coding transcript variant (1).
Genome position (GRCh38, 1-based): chr9:95,476,772, C>G on the plus strand (G>C on the coding strand, the complement: PTCH1 is on the minus strand). VCF-style: chr9-95476772-C-G. GRCh37 (hg19) VCF-style: chr9-98239054-C-G.
Other names: c.1391G>C, p.Arg464Thr (NM_001083602.3); c.1586G>C, p.Arg529Thr (NM_001083603.3); c.1136G>C, p.Arg379Thr (NM_001083604.3, NM_001083605.3, NM_001083606.3 and 1 more transcripts); c.1433G>C, p.Arg478Thr (NM_001354918.2); short protein forms R379T, R464T, R478T, R529T, R530T.
Identifiers: ClinVar variation 4862651 (VCV004862651.1).

ClinVar aggregate classification (germline): Uncertain significance (1 of 4 stars; one submission).

Conditions:
Hereditary cancer-predisposing syndrome. Also called: Neoplastic Syndromes, Hereditary; Tumor predisposition; Hereditary Cancer Syndrome; Hereditary neoplastic syndrome. Identifiers: Orphanet 140162, MedGen C0027672, MeSH D009386, MONDO:0015356.

Submission:

Ambry Genetics
Classification: Uncertain significance for Hereditary cancer-predisposing syndrome. Last evaluated: 2026-03-29. Review status: criteria provided, single submitter. Criteria: Ambry Variant Classification Scheme 2023. Collection method: clinical testing. Allele origin: germline.
Comment: The p.R530T variant (also known as c.1589G>C), located in coding exon 11 of the PTCH1 gene, results from a G to C substitution at nucleotide position 1589. The arginine at codon 530 is replaced by threonine, an amino acid with similar properties. This amino acid position is conserved. In addition, the in silico prediction for this alteration is inconclusive. Based on the available evidence, the clinical significance of this variant remains unclear.